The following is an entry in ClinVar:

ClinVar aggregate classification (germline): Uncertain significance. Review status: criteria provided, multiple submitters, no conflicts (2 of 4 stars). 2 submissions from 2 submitters: Uncertain significance (2). Last evaluated 2024-11-21.

Conditions:
Malignant hyperthermia, susceptibility to, 1 (MHS1). Also called: RYR1-Related Malignant Hyperthermia Susceptibility; Anesthesia related hyperthermia; Malignant hyperpyrexia; Fulminating hyperpyrexia; Pharmacogenic myopathy; Malignant hyperthermia suceptibility 1. Identifiers: Orphanet 423, MedGen C2930980, MONDO:0007783, OMIM 145600.
Inborn genetic diseases. Identifiers: MedGen C0950123, MeSH D030342.

Allele frequency attached by ClinVar (database versions not stated): TOPMed 0.00002.
gnomAD v4.1: 13 of 1,614,024 alleles (0.00081%); highest among the groups gnomAD compares: South Asian, 0.0011%; no homozygotes.

Submissions (2):

Ambry Genetics
Classification: Uncertain significance for Inborn genetic diseases. Last evaluated: 2024-11-21. Review status: criteria provided, single submitter. Criteria: Ambry Variant Classification Scheme 2023. Collection method: clinical testing. Allele origin: germline.

All of Us Research Program, National Institutes of Health
Classification: Uncertain significance for Malignant hyperthermia, susceptibility to, 1. Last evaluated: 2023-06-28. Review status: criteria provided, single submitter. Criteria: ACMG Guidelines, 2015. Collection method: clinical testing. Allele origin: germline. Inheritance: Autosomal dominant inheritance. Observed: 1 variant allele, 1 heterozygote.
Comment: This study involves interpretation of variants in research participants for the purpose of population health screening. Participant phenotype was not available at the time of variant classification. Additional details can be found in publication PMID: 35346344, PMCID: PMC8962531

NM_000540.3(RYR1):c.9724G>A (p.Asp3242Asn)

Gene: RYR1 (ryanodine receptor 1; plus strand). Cytogenetic location: 19q13.2.
Variant type: single nucleotide variant.
Coding change: c.9724G>A on transcript NM_000540.3 (MANE Select); coding-DNA position 9724, G replaced by A.
Protein change: p.Asp3242Asn; replaces aspartic acid 3242 with asparagine.
Molecular consequence: missense variant.
Genome position (GRCh38, 1-based): chr19:38,517,397, G>A. VCF-style: chr19-38517397-G-A. GRCh37 (hg19) VCF-style: chr19-39008037-G-A.
Other names: c.9724G>A, p.Asp3242Asn (NM_001042723.2); short protein forms D3242N.
Identifiers: ClinVar variation 3069290 (VCV003069290.2), dbSNP rs1231911930, ClinGen allele CA405691594.